The following is an entry in ClinVar:

NM_024675.4(PALB2):c.3504C>G (p.Asp1168Glu)

Gene: PALB2 (partner and localizer of BRCA2; minus strand). Cytogenetic location: 16p12.2.
Variant type: single nucleotide variant.
Coding change: c.3504C>G on transcript NM_024675.4 (MANE Select); coding-DNA position 3504, C replaced by G.
Protein change: p.Asp1168Glu; replaces aspartic acid 1168 with glutamic acid.
Molecular consequence: missense variant.
Genome position (GRCh38, 1-based): chr16:23,603,516, G>C on the plus strand (C>G on the coding strand, the complement: PALB2 is on the minus strand). VCF-style: chr16-23603516-G-C. GRCh37 (hg19) VCF-style: chr16-23614837-G-C.
Other names: short protein forms D1168E.
Identifiers: ClinVar variation 830209 (VCV000830209.17), dbSNP rs1966396729, ClinGen allele CA395137887.

ClinVar aggregate classification (germline): Uncertain significance. Review status: criteria provided, multiple submitters, no conflicts (2 of 4 stars). 4 submissions from 4 submitters: Uncertain significance (3). 1 of the submissions does not count toward it. Last evaluated 2025-04-17.

Conditions:
Familial cancer of breast. Also called: BREAST CANCER, FAMILIAL; Hereditary breast cancer; hereditary breast carcinoma. Identifiers: Orphanet 227535, MedGen C0346153, MONDO:0016419, OMIM 114480. Disease mechanism: loss of function.
Hereditary cancer-predisposing syndrome. Also called: Hereditary neoplastic syndrome; Neoplastic Syndromes, Hereditary; Tumor predisposition; Hereditary Cancer Syndrome. Identifiers: Orphanet 140162, MedGen C0027672, MeSH D009386, MONDO:0015356.

Submissions (4):

Labcorp Genetics (formerly Invitae), Labcorp
Classification: Uncertain significance for Familial cancer of breast. Last evaluated: 2025-04-17. Review status: criteria provided, single submitter. Criteria: Invitae Variant Classification Sherloc (09022015). Collection method: clinical testing. Allele origin: germline.
Comment: This sequence change replaces aspartic acid, which is acidic and polar, with glutamic acid, which is acidic and polar, at codon 1168 of the PALB2 protein (p.Asp1168Glu). This variant is not present in population databases (gnomAD no frequency). This variant has not been reported in the literature in individuals affected with PALB2-related conditions. ClinVar contains an entry for this variant (Variation ID: 830209). An algorithm developed to predict the effect of missense changes on protein structure and function (PolyPhen-2) suggests that this variant is likely to be tolerated. In summary, the available evidence is currently insufficient to determine the role of this variant in disease. Therefore, it has been classified as a Variant of Uncertain Significance.

Ambry Genetics
Classification: Uncertain significance for Hereditary cancer-predisposing syndrome. Last evaluated: 2024-03-29. Review status: criteria provided, single submitter. Criteria: Ambry Variant Classification Scheme 2023. Collection method: clinical testing. Allele origin: germline.
Comment: The p.D1168E variant (also known as c.3504C>G), located in coding exon 13 of the PALB2 gene, results from a C to G substitution at nucleotide position 3504. The aspartic acid at codon 1168 is replaced by glutamic acid, an amino acid with highly similar properties. This amino acid position is well conserved in available vertebrate species. In addition, this alteration is predicted to be tolerated by in silico analysis. Since supporting evidence is limited at this time, the clinical significance of this alteration remains unclear.

Color Diagnostics, LLC DBA Color Health
Classification: Uncertain significance for Hereditary cancer-predisposing syndrome. Last evaluated: 2018-12-05. Review status: criteria provided, single submitter. Criteria: ACMG Guidelines, 2015. Collection method: clinical testing. Allele origin: germline.

Leiden Open Variation Database
Classification: Likely benign for Familial cancer of breast. Last evaluated: 2019-05-13. Review status: no assertion criteria provided. Collection method: curation. Allele origin: germline. Affected: yes. Not counted in ClinVar's aggregate classification.
Comment: Curators: Marc Tischkowitz, Arleen D. Auerbach. Submitter to LOVD: Marc Tischkowitz.

Literature cited by the submitters: PubMed 25186627 (cited by Ambry Genetics and Leiden Open Variation Database).